The following continues an entry in ClinVar:

NM_007294.4(BRCA1):c.734A>T (p.Asp245Val)

Gene: BRCA1. ClinVar aggregate classification (germline): Conflicting classifications of pathogenicity. Uncertain significance (6); Benign (1); Likely benign (2).

Submissions 9 to 14 of 14:

Women's Health and Genetics/Laboratory Corporation of America, LabCorp
Classification: Uncertain significance. Last evaluated: 2020-06-09. Review status: criteria provided, single submitter. Criteria: LabCorp Variant Classification Summary - May 2015. Collection method: clinical testing. Allele origin: germline.
Comment: Variant summary: BRCA1 c.734A>T (p.Asp245Val) results in a non-conservative amino acid change in the encoded protein sequence. Four of five in-silico tools predict a damaging effect of the variant on protein function. The variant allele was found at a frequency of 1.2e-05 in 250038 control chromosomes (gnomAD). The available data on variant occurrences in the general population are insufficient to allow any conclusion about variant significance. c.734A>T has been reported in the literature in patients with a family history or women diagnosed with breast or ovarian cancer (Jarhelle_2016, Wojcik_2016). These reports do not provide unequivocal conclusions about association of the variant with Hereditary Breast and Ovarian Cancer Syndrome. In a cDNA-based functional assay, to classify the BRCA1 VUSs based on their ability of functionally complement BRCA1-deficient mouse embryonic stem cells, the variant was found to be neutral (Bouwman_2013). Five ClinVar submitters (evaluation after 2014) cite the variant as uncertain significance. Based on the evidence outlined above, the variant was classified as uncertain significance.

Department of Medical Genetics, University Hospital of North Norway
Classification: Uncertain significance for Breast-ovarian cancer, familial, susceptibility to, 1. Last evaluated: 2016-05-01. Review status: no assertion criteria provided. Collection method: clinical testing. Allele origin: germline. Affected: yes. Observed: 1 variant allele. Not counted in ClinVar's aggregate classification.

Counsyl
Classification: Uncertain significance for Breast-ovarian cancer, familial, susceptibility to, 1. Last evaluated: 2015-12-16. Review status: no assertion criteria provided. Collection method: clinical testing. Allele origin: unknown. Not counted in ClinVar's aggregate classification.

Breast Cancer Information Core (BIC) (BRCA1)
Classification: Uncertain significance for Breast-ovarian cancer, familial 1. Last evaluated: 2002-06-20. Review status: no assertion criteria provided. Collection method: clinical testing. Allele origin: germline. Affected: yes. Observed: 1 variant allele. Not counted in ClinVar's aggregate classification.

Clinical Genetics DNA and cytogenetics Diagnostics Lab, Erasmus MC, Erasmus Medical Center
Classification: Uncertain significance. Review status: no assertion criteria provided. Collection method: clinical testing. Allele origin: germline. Affected: yes. Study: VKGL Data-share Consensus. Not counted in ClinVar's aggregate classification.

Joint Genome Diagnostic Labs from Nijmegen and Maastricht, Radboudumc and MUMC+
Classification: Uncertain significance. Review status: no assertion criteria provided. Collection method: clinical testing. Allele origin: germline. Affected: yes. Study: VKGL Data-share Consensus. Not counted in ClinVar's aggregate classification.

Literature cited by the submitters: PubMed 26843898 (cited by 5 submitters); PubMed 27495310 (cited by 6 submitters); PubMed 32806537 (cited by 4 submitters); PubMed 23867111 (cited by 5 submitters); PubMed 37415649 (cited by Quest Diagnostics Nichols Institute San Juan Capistrano and Ambry Genetics); PubMed 31911673 (cited by Quest Diagnostics Nichols Institute San Juan Capistrano); PubMed 33471991 (cited by Quest Diagnostics Nichols Institute San Juan Capistrano and All of Us Research Program, National Institutes of Health); PubMed 34981296 (cited by Quest Diagnostics Nichols Institute San Juan Capistrano and Ambry Genetics); PubMed 27600092 (cited by Quest Diagnostics Nichols Institute San Juan Capistrano); PubMed 25415331 (cited by Quest Diagnostics Nichols Institute San Juan Capistrano and Counsyl); PubMed 20167696 (cited by Counsyl); PubMed 15385441 (cited by Counsyl).